The following is an entry in ClinVar:

ClinVar aggregate classification (germline): Uncertain significance (1 of 4 stars; one submission).

Conditions:
Arrhythmogenic right ventricular dysplasia 13. Also called: ARRHYTHMOGENIC RIGHT VENTRICULAR CARDIOMYOPATHY 13; Arrhythmogenic right ventricular dysplasia, familial, 13. Identifiers: MedGen C3810138, MONDO:0000908, OMIM 615616.

Allele frequency attached by ClinVar (database versions not stated): ExAC 0.00002; gnomAD exomes 0.00002; gnomAD 0.00003 and 0.00004; TOPMed 0.00003.
gnomAD v4.1: 51 of 1,609,670 alleles (0.0032%); highest among the groups gnomAD compares: Non-Finnish European, 0.0041%; no homozygotes.

Submission:

Labcorp Genetics (formerly Invitae), Labcorp
Classification: Uncertain significance for Arrhythmogenic right ventricular dysplasia 13. Last evaluated: 2025-10-19. Review status: criteria provided, single submitter. Criteria: Invitae Variant Classification Sherloc (09022015). Collection method: clinical testing. Allele origin: germline.
Comment: This sequence change replaces tyrosine, which is neutral and polar, with cysteine, which is neutral and slightly polar, at codon 614 of the CTNNA3 protein (p.Tyr614Cys). This variant is present in population databases (rs770893892, gnomAD 0.004%). This variant has not been reported in the literature in individuals affected with CTNNA3-related conditions. ClinVar contains an entry for this variant (Variation ID: 474820). Invitae Evidence Modeling of protein sequence and biophysical properties (such as structural, functional, and spatial information, amino acid conservation, physicochemical variation, residue mobility, and thermodynamic stability) indicates that this missense variant is not expected to disrupt CTNNA3 protein function with a negative predictive value of 80%. In summary, the available evidence is currently insufficient to determine the role of this variant in disease. Therefore, it has been classified as a Variant of Uncertain Significance.

NM_013266.4(CTNNA3):c.1841A>G (p.Tyr614Cys)

Gene: CTNNA3 (catenin alpha 3; minus strand). Cytogenetic location: 10q21.3.
Variant type: single nucleotide variant.
Coding change: c.1841A>G on transcript NM_013266.4 (MANE Select); coding-DNA position 1841, A replaced by G.
Protein change: p.Tyr614Cys; replaces tyrosine 614 with cysteine.
Molecular consequence: missense variant.
Genome position (GRCh38, 1-based): chr10:66,280,513, T>C on the plus strand (A>G on the coding strand, the complement: CTNNA3 is on the minus strand). VCF-style: chr10-66280513-T-C. GRCh37 (hg19) VCF-style: chr10-68040271-T-C.
Other names: c.1841A>G, p.Tyr614Cys (NM_001127384.3); short protein forms Y614C.
Identifiers: ClinVar variation 474820 (VCV000474820.10), dbSNP rs770893892, ClinGen allele CA5519804.